The following is an entry in ClinVar:

NM_000304.4(PMP22):c.320-2244T>C

Gene: PMP22 (peripheral myelin protein 22; minus strand). Cytogenetic location: 17p12.
Variant type: single nucleotide variant.
Coding change: c.320-2244T>C on transcript NM_000304.4 (MANE Select); 2244 bases into the intron before coding-DNA position 320, T replaced by C.
Molecular consequence: intron variant.
Genome position (GRCh38, 1-based): chr17:15,233,324, A>G on the plus strand (T>C on the coding strand, the complement: PMP22 is on the minus strand). VCF-style: chr17-15233324-A-G. GRCh37 (hg19) VCF-style: chr17-15136641-A-G.
Other names: c.320-2244T>C (NM_001281456.2, NM_153321.3, NM_001281455.2 and 1 more transcripts).
Identifiers: ClinVar variation 3771730 (VCV003771730.13).

ClinVar aggregate classification (germline): Likely benign (1 of 4 stars; one submission).

gnomAD v4.1: 106 of 152,330 alleles (0.07%); highest among the groups gnomAD compares: Non-Finnish European, 0.11%; no homozygotes.

Submission:

CeGaT Center for Human Genetics Tuebingen
Classification: Likely benign. Last evaluated: 2026-04-01. Review status: criteria provided, single submitter. Criteria: CeGaT Center For Human Genetics Tuebingen Variant Classification Criteria Version 2. Collection method: clinical testing. Allele origin: germline. Affected: yes. Observed: 2 variant alleles.
Comment: PMP22: BP4, BP7